The following is an entry in ClinVar:

ClinVar aggregate classification (germline): Conflicting classifications of pathogenicity. Review status: criteria provided, conflicting classifications (1 of 4 stars). 4 submissions from 4 submitters: Pathogenic (1); Likely pathogenic (1); Uncertain significance (2). Last evaluated 2025-07-29.

Conditions:
Von Willebrand disease type 2B. Identifiers: Orphanet 166087, MedGen C1282971, MONDO:0015629.
von Willebrand disease type 1 (VWD1). Also called: VON WILLEBRAND DISEASE, TYPE I; VWD, TYPE 1. Identifiers: Orphanet 166078, Orphanet 903, MedGen C1264039, MONDO:0008668, OMIM 193400. Inheritance: autosomal recessive or autosomal dominant.

Allele frequency attached by ClinVar (database versions not stated): TOPMed 0.00003; ExAC 0.00004; gnomAD 0.00004; gnomAD exomes 0.00004 and 0.00005; ESP Exome Variant Server 0.00008.
gnomAD v4.1: 85 of 1,613,370 alleles (0.0053%); highest among the groups gnomAD compares: African/African-American, 0.008%; no homozygotes.

Submissions (4):

Quest Diagnostics Nichols Institute San Juan Capistrano
Classification: Uncertain significance. Last evaluated: 2025-07-29. Review status: criteria provided, single submitter. Criteria: Quest Diagnostics criteria. Collection method: clinical testing. Allele origin: unknown.
Comment: The VWF c.7987C>T (p.Arg2663Cys) variant has been reported in the published literature in individuals with Von Willebrand Disease type 1 (PMIDs: 22429825 (2012) and 37845247 (2023)) or bleeding disorders (PMIDs: 37389831 (2023) and 37647632 (2023)). Experimental studies indicated that this variant results in slightly reduced VWF synthesis and significant impaired secretion upon homozygous expression (PMID: 22429825 (2012)). The frequency of this variant in the general population (Genome Aggregation Database) is uninformative in the assessment of its pathogenicity. Based on the available information, we are unable to determine the clinical significance of this variant.

Women's Health and Genetics/Laboratory Corporation of America, LabCorp
Classification: Uncertain significance. Last evaluated: 2024-12-03. Review status: criteria provided, single submitter. Criteria: LabCorp Variant Classification Summary - May 2015. Collection method: clinical testing. Allele origin: germline.
Comment: Variant summary: VWF c.7987C>T (p.Arg2663Cys) results in a non-conservative amino acid change in the encoded protein sequence. Three of five in-silico tools predict a benign effect of the variant on protein function. Consensus agreement among computation tools predict no significant impact on normal splicing. However, these predictions have yet to be confirmed by functional studies. The variant allele was found at a frequency of 4e-05 in 251194 control chromosomes. This frequency is not significantly higher than estimated for a pathogenic variant in VWF causing Von Willebrand Disease, allowing no conclusion about variant significance. c.7987C>T has been reported in the literature in at least one heterozygous individuals affected with Von Willebrand Disease type 1 (Castaman_2012), or individuals with bleeding disorders (Stefanucci_2023, Fernandez_2023). These data do not allow any conclusion about variant significance. One publication reports experimental evidence evaluating an impact on protein function, however, does not allow convincing conclusions about the variant effect (Castaman_2012). The following publications have been ascertained in the context of this evaluation (PMID: 22429825, 37389831, 37647632). ClinVar contains an entry for this variant (Variation ID: 1695346). Based on the evidence outlined above, the variant was classified as uncertain significance.

Genetics and Molecular Pathology, SA Pathology
Classification: Likely pathogenic for Von Willebrand disease type 2B. Last evaluated: 2021-12-02. Review status: criteria provided, single submitter. Criteria: ACMG Guidelines, 2015. Collection method: clinical testing. Allele origin: germline. Affected: yes.

Laboratory of Hematology, Radboud University Medical Center
Classification: Pathogenic for von Willebrand disease type 1. Last evaluated: 2020-12-10. Review status: criteria provided, single submitter. Criteria: ACMG Guidelines, 2015. Collection method: research. Allele origin: germline. Affected: yes. Observed: 1 variant allele. Study: WIN study.

Literature cited by the submitters: PubMed 37647632 (cited by Quest Diagnostics Nichols Institute San Juan Capistrano and Women's Health and Genetics/Laboratory Corporation of America, LabCorp); PubMed 37389831 (cited by Quest Diagnostics Nichols Institute San Juan Capistrano and Women's Health and Genetics/Laboratory Corporation of America, LabCorp); PubMed 22429825 (cited by Quest Diagnostics Nichols Institute San Juan Capistrano and Women's Health and Genetics/Laboratory Corporation of America, LabCorp); PubMed 37845247 (cited by Quest Diagnostics Nichols Institute San Juan Capistrano); PubMed 27483487 (cited by Quest Diagnostics Nichols Institute San Juan Capistrano); PubMed 31968368 (cited by Quest Diagnostics Nichols Institute San Juan Capistrano).

NM_000552.5(VWF):c.7987C>T (p.Arg2663Cys)

Gene: VWF (von Willebrand factor; minus strand). Cytogenetic location: 12p13.31.
Variant type: single nucleotide variant.
Coding change: c.7987C>T on transcript NM_000552.5 (MANE Select); coding-DNA position 7987, C replaced by T.
Protein change: p.Arg2663Cys; replaces arginine 2663 with cysteine.
Molecular consequence: missense variant.
Genome position (GRCh38, 1-based): chr12:5,952,519, G>A on the plus strand (C>T on the coding strand, the complement: VWF is on the minus strand). VCF-style: chr12-5952519-G-A. GRCh37 (hg19) VCF-style: chr12-6061685-G-A.
Other names: p.R2663C; c.7987C>T (NM_000552.4); short protein forms R2663C.
Identifiers: ClinVar variation 1695346 (VCV001695346.4), dbSNP rs370662678, ClinGen allele CA6401425.